The following is an entry in ClinVar:

NM_001378778.1(MPDZ):c.4321G>A (p.Val1441Ile)

Gene: MPDZ (multiple PDZ domain crumbs cell polarity complex component; minus strand). Cytogenetic location: 9p23.
Variant type: single nucleotide variant.
Coding change: c.4321G>A on transcript NM_001378778.1 (MANE Select); coding-DNA position 4321, G replaced by A.
Protein change: p.Val1441Ile; replaces valine 1441 with isoleucine.
Molecular consequence: missense variant.
Genome position (GRCh38, 1-based): chr9:13,136,154, C>T on the plus strand (G>A on the coding strand, the complement: MPDZ is on the minus strand). VCF-style: chr9-13136154-C-T. GRCh37 (hg19) VCF-style: chr9-13136153-C-T.
Other names: c.4222G>A, p.Val1408Ile (NM_001261406.2, NM_001261407.2, NM_001375416.1 and 3 more transcripts); c.4321G>A, p.Val1441Ile (NM_001330637.2, NM_001375413.1, NM_003829.5); c.4111G>A, p.Val1371Ile (NM_001375420.1, NM_001375421.1, NM_001375422.1 and 4 more transcripts); c.3913G>A, p.Val1305Ile (NM_001375427.1); c.4321G>A (NM_003829.3); short protein forms V1371I, V1441I, V1408I, V1305I.
Identifiers: ClinVar variation 1497752 (VCV001497752.8), dbSNP rs535598404, ClinGen allele CA4986760.

ClinVar aggregate classification (germline): Uncertain significance. Review status: criteria provided, multiple submitters, no conflicts (2 of 4 stars). 2 submissions from 2 submitters: Uncertain significance (2). Last evaluated 2024-01-30.

Conditions:
Inborn genetic diseases. Identifiers: MedGen C0950123, MeSH D030342.

gnomAD v4.1: 48 of 1,612,124 alleles (0.003%); highest among the groups gnomAD compares: South Asian, 0.021%; no homozygotes.

Submissions (2):

Ambry Genetics
Classification: Uncertain significance for Inborn genetic diseases. Last evaluated: 2024-01-30. Review status: criteria provided, single submitter. Criteria: Ambry Variant Classification Scheme 2023. Collection method: clinical testing. Allele origin: germline.

Labcorp Genetics (formerly Invitae), Labcorp
Classification: Uncertain significance. Last evaluated: 2022-03-10. Review status: criteria provided, single submitter. Criteria: Invitae Variant Classification Sherloc (09022015). Collection method: clinical testing. Allele origin: germline.
Comment: In summary, the available evidence is currently insufficient to determine the role of this variant in disease. Therefore, it has been classified as a Variant of Uncertain Significance. Algorithms developed to predict the effect of missense changes on protein structure and function (SIFT, PolyPhen-2, Align-GVGD) all suggest that this variant is likely to be disruptive. This variant has not been reported in the literature in individuals affected with MPDZ-related conditions. This variant is present in population databases (rs535598404, gnomAD 0.02%). This sequence change replaces valine, which is neutral and non-polar, with isoleucine, which is neutral and non-polar, at codon 1441 of the MPDZ protein (p.Val1441Ile).